The following is an entry in ClinVar:

NM_130810.4(DNAAF4):c.1124C>A (p.Ala375Glu)

Genes: DNAAF4 (dynein axonemal assembly factor 4; minus strand), DNAAF4-CCPG1 (DNAAF4-CCPG1 readthrough (NMD candidate); minus strand). Cytogenetic location: 15q21.3.
Variant type: single nucleotide variant.
Coding change: c.1124C>A on transcript NM_130810.4 (MANE Select); coding-DNA position 1124, C replaced by A.
Protein change: p.Ala375Glu; replaces alanine 375 with glutamic acid.
Molecular consequence: missense variant. On other transcripts: non-coding transcript variant (1), intron variant (2).
Genome position (GRCh38, 1-based): chr15:55,432,526, G>T on the plus strand (C>A on the coding strand, the complement: DNAAF4 is on the minus strand). VCF-style: chr15-55432526-G-T. GRCh37 (hg19) VCF-style: chr15-55724724-G-T.
Other names: c.1047+2379C>A (NM_001033560.2); c.1048-1747C>A (NM_001033559.3); short protein forms A375E.
Identifiers: ClinVar variation 4742549 (VCV004742549.1).

ClinVar aggregate classification (germline): Uncertain significance (1 of 4 stars; one submission).

Submission:

Labcorp Genetics (formerly Invitae), Labcorp
Classification: Uncertain significance. Last evaluated: 2025-09-20. Review status: criteria provided, single submitter. Criteria: Invitae Variant Classification Sherloc (09022015). Collection method: clinical testing. Allele origin: germline.
Comment: This sequence change replaces alanine, which is neutral and non-polar, with glutamic acid, which is acidic and polar, at codon 375 of the DNAAF4 protein (p.Ala375Glu). This variant is not present in population databases (gnomAD no frequency). This variant has not been reported in the literature in individuals affected with DNAAF4-related conditions. Invitae Evidence Modeling of protein sequence and biophysical properties (such as structural, functional, and spatial information, amino acid conservation, physicochemical variation, residue mobility, and thermodynamic stability) indicates that this missense variant is expected to disrupt DNAAF4 protein function with a positive predictive value of 80%. In summary, the available evidence is currently insufficient to determine the role of this variant in disease. Therefore, it has been classified as a Variant of Uncertain Significance.